The following is an entry in ClinVar:

NM_152419.3(HGSNAT):c.145C>A (p.Leu49Met)

Gene: HGSNAT (heparan-alpha-glucosaminide N-acetyltransferase; plus strand). Cytogenetic location: 8p11.21.
Variant type: single nucleotide variant.
Coding change: c.145C>A on transcript NM_152419.3 (MANE Select); coding-DNA position 145, C replaced by A.
Protein change: p.Leu49Met; replaces leucine 49 with methionine.
Molecular consequence: missense variant. On other transcripts: 5 prime UTR variant (1).
Genome position (GRCh38, 1-based): chr8:43,146,974, C>A. VCF-style: chr8-43146974-C-A. GRCh37 (hg19) VCF-style: chr8-43002117-C-A.
Other names: c.145C>A, p.Leu49Met (NM_001363227.2, NM_001363228.2); c.-689C>A (NM_001363229.2); short protein forms L49M.
Identifiers: ClinVar variation 855589 (VCV000855589.8), dbSNP rs372961495, ClinGen allele CA4736436.

ClinVar aggregate classification (germline): Uncertain significance. Review status: criteria provided, multiple submitters, no conflicts (2 of 4 stars). 5 submissions from 5 submitters: Uncertain significance (4). 1 of the submissions does not count toward it. Last evaluated 2026-03-25.

Conditions:
HGSNAT-related disorder. Also called: HGSNAT-related condition.
Retinitis pigmentosa 73 (RP73). Identifiers: Orphanet 791, MedGen C4225287, MONDO:0014687, OMIM 616544.
Mucopolysaccharidosis, MPS-III-C (MPS3C). Also called: SANFILIPPO SYNDROME C; mucopolysaccharidosis type 3C; Mucopolysaccharidosis type IIIC (Sanfilippo C); MPS IIIC (Sanfilippo Syndrome Type C); MUCOPOLYSACCHARIDOSIS, TYPE IIIC; MPS III C. Identifiers: Orphanet 581, Orphanet 79271, MedGen C0086649, MONDO:0009657, OMIM 252930.

Allele frequency attached by ClinVar (database versions not stated): gnomAD 0.00016 and 0.00018; ESP Exome Variant Server 0.00008; TOPMed 0.00013.
gnomAD v4.1: 73 of 1,604,476 alleles (0.0045%); highest among the groups gnomAD compares: African/African-American, 0.065%; 2 homozygotes.

Submissions (5):

PreventionGenetics, part of Exact Sciences
Classification: Uncertain significance for HGSNAT-related condition. Last evaluated: 2026-03-25. Review status: criteria provided, single submitter. Criteria: ACMG Guidelines, 2015. Collection method: clinical testing. Allele origin: germline.
Comment: The HGSNAT c.145C>A variant is predicted to result in the amino acid substitution p.Leu49Met. To our knowledge, this variant has not been reported in the literature. This variant is reported in 0.038% of alleles in individuals of African descent in gnomAD. At this time, the clinical significance of this variant is uncertain due to the absence of conclusive functional and genetic evidence.

Labcorp Genetics (formerly Invitae), Labcorp
Classification: Uncertain significance for Retinitis pigmentosa 73; Mucopolysaccharidosis, MPS-III-C. Last evaluated: 2024-12-02. Review status: criteria provided, single submitter. Criteria: Invitae Variant Classification Sherloc (09022015). Collection method: clinical testing. Allele origin: germline.
Comment: This sequence change replaces leucine, which is neutral and non-polar, with methionine, which is neutral and non-polar, at codon 49 of the HGSNAT protein (p.Leu49Met). This variant is present in population databases (rs372961495, gnomAD 0.04%). This variant has not been reported in the literature in individuals affected with HGSNAT-related conditions. ClinVar contains an entry for this variant (Variation ID: 855589). Invitae Evidence Modeling of protein sequence and biophysical properties (such as structural, functional, and spatial information, amino acid conservation, physicochemical variation, residue mobility, and thermodynamic stability) has been performed for this missense variant. However, the output from this modeling did not meet the statistical confidence thresholds required to predict the impact of this variant on HGSNAT protein function. In summary, the available evidence is currently insufficient to determine the role of this variant in disease. Therefore, it has been classified as a Variant of Uncertain Significance.

Blueprint Genetics
Classification: Uncertain significance. Last evaluated: 2024-11-11. Review status: criteria provided, single submitter. Criteria: ACMG Guidelines, 2015. Collection method: clinical testing. Allele origin: germline.

Fulgent Genetics
Classification: Uncertain significance for Mucopolysaccharidosis, MPS-III-C; Retinitis pigmentosa 73. Last evaluated: 2021-07-21. Review status: criteria provided, single submitter. Criteria: ACMG Guidelines, 2015. Collection method: clinical testing. Allele origin: unknown.

Natera, Inc.
Classification: Uncertain significance for Mucopolysaccharidosis type IIIC. Last evaluated: 2019-11-11. Review status: no assertion criteria provided. Collection method: clinical testing. Allele origin: germline. Not counted in ClinVar's aggregate classification.